The following is an entry in ClinVar:

ClinVar aggregate classification (germline): Uncertain significance. Review status: criteria provided, multiple submitters, no conflicts (2 of 4 stars). 2 submissions from 2 submitters: Uncertain significance (2). Last evaluated 2025-03-24.

Allele frequency attached by ClinVar (database versions not stated): gnomAD exomes 0.00004.
gnomAD v4.1: 35 of 1,614,056 alleles (0.0022%); highest among the groups gnomAD compares: Non-Finnish European, 0.0029%; no homozygotes.

Submissions (2):

Labcorp Genetics (formerly Invitae), Labcorp
Classification: Uncertain significance. Last evaluated: 2025-03-24. Review status: criteria provided, single submitter. Criteria: Invitae Variant Classification Sherloc (09022015). Collection method: clinical testing. Allele origin: germline.
Comment: This sequence change replaces aspartic acid, which is acidic and polar, with asparagine, which is neutral and polar, at codon 488 of the BUB1 protein (p.Asp488Asn). This variant is not present in population databases (gnomAD no frequency). This variant has not been reported in the literature in individuals affected with BUB1-related conditions. ClinVar contains an entry for this variant (Variation ID: 1773186). An algorithm developed to predict the effect of missense changes on protein structure and function outputs the following: PolyPhen-2: "Not Available". The asparagine amino acid residue is found in multiple mammalian species, which suggests that this missense change does not adversely affect protein function. In summary, the available evidence is currently insufficient to determine the role of this variant in disease. Therefore, it has been classified as a Variant of Uncertain Significance.

Ambry Genetics
Classification: Uncertain significance. Last evaluated: 2022-09-11. Review status: criteria provided, single submitter. Criteria: Ambry Variant Classification Scheme 2023. Collection method: clinical testing. Allele origin: germline.
Comment: The p.D488N variant (also known as c.1462G>A), located in coding exon 13 of the BUB1 gene, results from a G to A substitution at nucleotide position 1462. The aspartic acid at codon 488 is replaced by asparagine, an amino acid with highly similar properties. This amino acid position is conserved. In addition, this alteration is predicted to be tolerated by in silico analysis. Since supporting evidence is limited at this time, the clinical significance of this alteration remains unclear.

NM_004336.5(BUB1):c.1462G>A (p.Asp488Asn)

Gene: BUB1 (BUB1 mitotic checkpoint serine/threonine kinase; minus strand). Cytogenetic location: 2q13.
Variant type: single nucleotide variant.
Coding change: c.1462G>A on transcript NM_004336.5 (MANE Select); coding-DNA position 1462, G replaced by A.
Protein change: p.Asp488Asn; replaces aspartic acid 488 with asparagine.
Molecular consequence: missense variant.
Genome position (GRCh38, 1-based): chr2:110,658,464, C>T on the plus strand (G>A on the coding strand, the complement: BUB1 is on the minus strand). VCF-style: chr2-110658464-C-T. GRCh37 (hg19) VCF-style: chr2-111416041-C-T.
Other names: c.1402G>A, p.Asp468Asn (NM_001278616.2); c.1462G>A, p.Asp488Asn (NM_001278617.2); short protein forms D468N, D488N.
Identifiers: ClinVar variation 1773186 (VCV001773186.3), dbSNP rs769233054, ClinGen allele CA53534409.